The following is an entry in ClinVar:

ClinVar aggregate classification (germline): Uncertain significance. Review status: criteria provided, multiple submitters, no conflicts (2 of 4 stars). 3 submissions from 3 submitters: Uncertain significance (3). Last evaluated 2025-06-16.

Conditions:
Retinitis pigmentosa 1 (RP1). Identifiers: Orphanet 791, MedGen C0220701, MONDO:0008377, OMIM 180100.

gnomAD v4.1: 5 of 1,613,454 alleles (0.00031%); highest among the groups gnomAD compares: Middle Eastern, 0.016%; no homozygotes.

Submissions (3):

Revvity Omics, Revvity
Classification: Uncertain significance for Retinitis pigmentosa 1. Last evaluated: 2025-06-16. Review status: criteria provided, single submitter. Criteria: ACMG Guidelines, 2015. Collection method: clinical testing. Allele origin: germline.

Labcorp Genetics (formerly Invitae), Labcorp
Classification: Uncertain significance. Last evaluated: 2024-05-10. Review status: criteria provided, single submitter. Criteria: Invitae Variant Classification Sherloc (09022015). Collection method: clinical testing. Allele origin: germline.
Comment: This sequence change replaces arginine, which is basic and polar, with cysteine, which is neutral and slightly polar, at codon 872 of the RP1 protein (p.Arg872Cys). This variant is present in population databases (rs375490869, gnomAD 0.01%). This variant has not been reported in the literature in individuals affected with RP1-related conditions. An algorithm developed to predict the effect of missense changes on protein structure and function (PolyPhen-2) suggests that this variant is likely to be disruptive. In summary, the available evidence is currently insufficient to determine the role of this variant in disease. Therefore, it has been classified as a Variant of Uncertain Significance.

Blueprint Genetics
Classification: Uncertain significance. Last evaluated: 2022-04-30. Review status: criteria provided, single submitter. Criteria: ACMG Guidelines, 2015. Collection method: clinical testing. Allele origin: germline.

NM_006269.2(RP1):c.2614C>T (p.Arg872Cys)

Gene: RP1 (RP1 axonemal microtubule associated; plus strand). Cytogenetic location: 8q12.1.
Variant type: single nucleotide variant.
Coding change: c.2614C>T on transcript NM_006269.2 (MANE Select); coding-DNA position 2614, C replaced by T.
Protein change: p.Arg872Cys; replaces arginine 872 with cysteine.
Molecular consequence: missense variant. On other transcripts: intron variant (1).
Genome position (GRCh38, 1-based): chr8:54,626,496, C>T. VCF-style: chr8-54626496-C-T. GRCh37 (hg19) VCF-style: chr8-55539056-C-T.
Other names: c.787+4208C>T (NM_001375654.1); short protein forms R872C.
Identifiers: ClinVar variation 3675685 (VCV003675685.4).